The following is an entry in ClinVar:

ClinVar aggregate classification (germline): Conflicting classifications of pathogenicity. Review status: criteria provided, conflicting classifications (1 of 4 stars). 4 submissions from 4 submitters: Uncertain significance (3); Likely benign (1). Last evaluated 2026-07-30.

Conditions:
Hypertrophic cardiomyopathy 14. Identifiers: MedGen C2750467, MONDO:0013197, OMIM 613251.
MYH6-related disorder. Also called: MYH6-Related Disorders; MYH6-related condition.
Cardiovascular phenotype. Identifiers: MedGen CN230736.

Allele frequency attached by ClinVar (database versions not stated): gnomAD exomes 0.00001; ExAC 0.00002; gnomAD 0.00003.

Submissions (4):

PreventionGenetics, part of Exact Sciences
Classification: Uncertain significance for MYH6-related condition. Last evaluated: 2026-07-30. Review status: criteria provided, single submitter. Criteria: ACMG Guidelines, 2015. Collection method: clinical testing. Allele origin: germline.
Comment: The MYH6 c.4985C>T variant is predicted to result in the amino acid substitution p.Ala1662Val. This variant has been reported in an individual with congenital heart disease (Extended data set 4, Sierant et al. 2025. PubMed ID: 40127276). This variant is reported in 0.0080% of alleles in individuals of African descent in gnomAD. At this time, the clinical significance of this variant is uncertain due to the absence of conclusive functional and genetic evidence.

Labcorp Genetics (formerly Invitae), Labcorp
Classification: Uncertain significance for Hypertrophic cardiomyopathy 14. Last evaluated: 2024-07-11. Review status: criteria provided, single submitter. Criteria: Invitae Variant Classification Sherloc (09022015). Collection method: clinical testing. Allele origin: germline.
Comment: This sequence change replaces alanine, which is neutral and non-polar, with valine, which is neutral and non-polar, at codon 1662 of the MYH6 protein (p.Ala1662Val). The frequency data for this variant in the population databases is considered unreliable, as metrics indicate poor data quality at this position in the gnomAD database. This variant has not been reported in the literature in individuals affected with MYH6-related conditions. ClinVar contains an entry for this variant (Variation ID: 1355033). Advanced modeling of protein sequence and biophysical properties (such as structural, functional, and spatial information, amino acid conservation, physicochemical variation, residue mobility, and thermodynamic stability) performed at Invitae indicates that this missense variant is not expected to disrupt MYH6 protein function with a negative predictive value of 80%. In summary, the available evidence is currently insufficient to determine the role of this variant in disease. Therefore, it has been classified as a Variant of Uncertain Significance.

Ambry Genetics
Classification: Uncertain significance for Cardiovascular phenotype. Last evaluated: 2024-05-17. Review status: criteria provided, single submitter. Criteria: Ambry Variant Classification Scheme 2023. Collection method: clinical testing. Allele origin: germline.
Comment: The p.A1662V variant (also known as c.4985C>T), located in coding exon 32 of the MYH6 gene, results from a C to T substitution at nucleotide position 4985. The alanine at codon 1662 is replaced by valine, an amino acid with similar properties. This amino acid position is not well conserved in available vertebrate species, and valine is the reference amino acid in other vertebrate species. In addition, this alteration is predicted to be tolerated by in silico analysis. Since supporting evidence is limited at this time, the clinical significance of this alteration remains unclear.

CeGaT Center for Human Genetics Tuebingen
Classification: Likely benign. Last evaluated: 2022-06-01. Review status: criteria provided, single submitter. Criteria: CeGaT Center For Human Genetics Tuebingen Variant Classification Criteria Version 2. Collection method: clinical testing. Allele origin: germline. Affected: yes. Observed: 1 variant allele.
Comment: MYH6: BP4

NM_002471.4(MYH6):c.4985C>T (p.Ala1662Val)

Genes: MYH6 (myosin heavy chain 6; minus strand), LOC126861896 (BRD4-independent group 4 enhancer GRCh37_chr14:23854904-23856103; plus strand). Cytogenetic location: 14q11.2.
Variant type: single nucleotide variant.
Coding change: c.4985C>T on transcript NM_002471.4 (MANE Select); coding-DNA position 4985, C replaced by T.
Protein change: p.Ala1662Val; replaces alanine 1662 with valine.
Molecular consequence: missense variant.
Genome position (GRCh38, 1-based): chr14:23,386,106, G>A on the plus strand (C>T on the coding strand, the complement: MYH6 is on the minus strand). VCF-style: chr14-23386106-G-A. GRCh37 (hg19) VCF-style: chr14-23855315-G-A.
Other names: short protein forms A1662V.
Identifiers: ClinVar variation 1355033 (VCV001355033.34), dbSNP rs773445582, ClinGen allele CA7114579.